The following is an entry in ClinVar:

ClinVar aggregate classification (germline): Likely benign (1 of 4 stars; one submission).

Allele frequency attached by ClinVar (database versions not stated): gnomAD 0.00001.

Submission:

CeGaT Center for Human Genetics Tuebingen
Classification: Likely benign. Last evaluated: 2023-05-01. Review status: criteria provided, single submitter. Criteria: CeGaT Center For Human Genetics Tuebingen Variant Classification Criteria Version 2. Collection method: clinical testing. Allele origin: germline. Affected: yes. Observed: 1 variant allele.
Comment: LSR: BP4, BP7

NM_205834.4(LSR):c.33G>T (p.Gly11=)

Gene: LSR (lipolysis stimulated lipoprotein receptor; plus strand). Cytogenetic location: 19q13.12.
Variant type: single nucleotide variant.
Coding change: c.33G>T on transcript NM_205834.4 (MANE Select); coding-DNA position 33, G replaced by T.
Protein change: p.Gly11=; no amino-acid change (glycine 11 retained).
Molecular consequence: synonymous variant.
Genome position (GRCh38, 1-based): chr19:35,249,055, G>T. VCF-style: chr19-35249055-G-T. GRCh37 (hg19) VCF-style: chr19-35739958-G-T.
Other names: c.33G>T, p.Gly11= (NM_001260489.2, NM_001260490.2, NM_001385215.1 and 2 more transcripts).
Identifiers: ClinVar variation 2649715 (VCV002649715.24), dbSNP rs949003988, ClinGen allele CA307712712.